The following is an entry in ClinVar:

ClinVar aggregate classification (germline): Likely pathogenic (1 of 4 stars; one submission).

Conditions:
VPS13C-related disorder. Also called: VPS13C-related condition.

Allele frequency attached by ClinVar (database versions not stated): gnomAD 0.00003; ESP Exome Variant Server 0.00008.
gnomAD v4.1: 63 of 1,531,788 alleles (0.0041%); highest among the groups gnomAD compares: Non-Finnish European, 0.0051%; no homozygotes.

Submission:

PreventionGenetics, part of Exact Sciences
Classification: Likely pathogenic for VPS13C-related condition. Last evaluated: 2022-12-09. Review status: criteria provided, single submitter. Criteria: ACMG Guidelines, 2015. Collection method: clinical testing. Allele origin: germline.
Comment: The VPS13C c.826-1G>A variant is predicted to disrupt the AG splice acceptor site and interfere with normal splicing. This variant is predicted to disrupt the AG splice acceptor site and interfere with normal splicing (Alamut Visual Plus v1.6.1). To our knowledge, this variant has not been reported in the literature. This variant is reported in 0.0047% of alleles in individuals of European (Non-Finnish) descent in gnomAD. Variants that disrupt the consensus splice acceptor site in VPS13C are expected to be pathogenic. This variant is interpreted as likely pathogenic.

NM_020821.3(VPS13C):c.826-1G>A

Gene: VPS13C (vacuolar protein sorting 13 homolog C; minus strand). Cytogenetic location: 15q22.2.
Variant type: single nucleotide variant.
Coding change: c.826-1G>A on transcript NM_020821.3 (MANE Select); the canonical splice acceptor site of the intron before coding-DNA position 826, G replaced by A.
Molecular consequence: splice acceptor variant.
Genome position (GRCh38, 1-based): chr15:62,012,165, C>T on the plus strand (G>A on the coding strand, the complement: VPS13C is on the minus strand). VCF-style: chr15-62012165-C-T. GRCh37 (hg19) VCF-style: chr15-62304364-C-T.
Other names: c.697-1G>A (NM_017684.5, NM_018080.4); c.826-1G>A (NM_001018088.3).
Identifiers: ClinVar variation 2629141 (VCV002629141.1), dbSNP rs376861755, ClinGen allele CA7597330.